The following is an entry in ClinVar:

NM_001370259.2(MEN1):c.459C>G (p.Asp153Glu)

Gene: MEN1 (menin 1; minus strand). Cytogenetic location: 11q13.1.
Variant type: single nucleotide variant.
Coding change: c.459C>G on transcript NM_001370259.2 (MANE Select); coding-DNA position 459, C replaced by G.
Protein change: p.Asp153Glu; replaces aspartic acid 153 with glutamic acid.
Molecular consequence: missense variant. On other transcripts: non-coding transcript variant (4).
Genome position (GRCh38, 1-based): chr11:64,808,086, G>C on the plus strand (C>G on the coding strand, the complement: MEN1 is on the minus strand). VCF-style: chr11-64808086-G-C. GRCh37 (hg19) VCF-style: chr11-64575558-G-C.
Other names: c.474C>G, p.Asp158Glu (NM_000244.4, NM_001407145.1, NM_001407150.1 and 5 more transcripts); c.459C>G, p.Asp153Glu (NM_001370251.2, NM_001370260.2, NM_001370261.2 and 12 more transcripts); short protein forms D153E, D158E.
Identifiers: ClinVar variation 4709859 (VCV004709859.1).

ClinVar aggregate classification (germline): Likely pathogenic (1 of 4 stars; one submission).

Conditions:
Multiple endocrine neoplasia, type 1 (MEN1). Also called: MEN I; WERMER SYNDROME; Endocrine adenomatosis multiple; MEN 1; MEA I. Identifiers: Orphanet 652, MedGen C0025267, MeSH D018761, MONDO:0007540, OMIM 131100.

Submission:

Labcorp Genetics (formerly Invitae), Labcorp
Classification: Likely pathogenic for Multiple endocrine neoplasia, type 1. Last evaluated: 2025-04-08. Review status: criteria provided, single submitter. Criteria: Invitae Variant Classification Sherloc (09022015). Collection method: clinical testing. Allele origin: germline.
Comment: This sequence change replaces aspartic acid, which is acidic and polar, with glutamic acid, which is acidic and polar, at codon 153 of the MEN1 protein (p.Asp153Glu). This variant is not present in population databases (gnomAD no frequency). This missense change has been observed in individual(s) with MEN1-related conditions (PMID: 22577108, 29497973, 32430905). Invitae Evidence Modeling of protein sequence and biophysical properties (such as structural, functional, and spatial information, amino acid conservation, physicochemical variation, residue mobility, and thermodynamic stability) indicates that this missense variant is expected to disrupt MEN1 protein function with a positive predictive value of 95%. This variant disrupts the p.Asp153 amino acid residue in MEN1. Other variant(s) that disrupt this residue have been determined to be pathogenic (PMID: 12699448, 15670192, 19068082; internal data). This suggests that this residue is clinically significant, and that variants that disrupt this residue are likely to be disease-causing. In summary, the currently available evidence indicates that the variant is pathogenic, but additional data are needed to prove that conclusively. Therefore, this variant has been classified as Likely Pathogenic.

Literature cited by the submitters: PubMed 22577108; PubMed 29497973; PubMed 32430905; PubMed 12699448; PubMed 15670192; PubMed 19068082.